The following is an entry in ClinVar:

NM_004539.4(NARS1):c.1049T>C (p.Leu350Pro)

Gene: NARS1 (asparaginyl-tRNA synthetase 1; minus strand). Cytogenetic location: 18q21.31.
Variant type: single nucleotide variant.
Coding change: c.1049T>C on transcript NM_004539.4 (MANE Select); coding-DNA position 1049, T replaced by C.
Protein change: p.Leu350Pro; replaces leucine 350 with proline.
Molecular consequence: missense variant.
Genome position (GRCh38, 1-based): chr18:57,606,704, A>G on the plus strand (T>C on the coding strand, the complement: NARS1 is on the minus strand). VCF-style: chr18-57606704-A-G. GRCh37 (hg19) VCF-style: chr18-55273936-A-G.
Other names: short protein forms L350P.
Identifiers: ClinVar variation 1077115 (VCV001077115.1), dbSNP rs2122428612, ClinGen allele CA402545990.

ClinVar aggregate classification (germline): Uncertain significance (1 of 4 stars; one submission).

Conditions:
Neurodevelopmental disorder with microcephaly, impaired language, and gait abnormalities. Identifiers: MedGen C5436783, MONDO:0100348, OMIM 619091.

Submission:

SIB Swiss Institute of Bioinformatics
Classification: Uncertain significance for Neurodevelopmental disorder with microcephaly, impaired language, and gait abnormalities. Last evaluated: 2021-05-10. Review status: criteria provided, single submitter. Criteria: ACMG Guidelines, 2015. Collection method: curation. Allele origin: unknown.
Comment: This variant is interpreted as a variant of uncertain significance for Neurodevelopmental disorder with microcephaly, impaired language, and gait abnormalities, autosomal recessive. The following ACMG Tag(s) were applied: Absent from controls (or at extremely low frequency if recessive) in Exome Sequencing Project, 1000 Genomes Project, or Exome Aggregation Consortium (PM2); Cosegregation with disease in multiple affected family members in a gene definitively known to cause the disease (PP1); Multiple lines of computational evidence support a deleterious effect on the gene or gene product (PP3).

Literature cited by the submitters: PubMed 32738225.